The following is an entry in ClinVar:

ClinVar aggregate classification (germline): Uncertain significance (1 of 4 stars; one submission).

gnomAD v4.1: 1 of 1,613,520 alleles (0.000062%); highest among the groups gnomAD compares: Non-Finnish European, 0.000085%; no homozygotes.

Submission:

Ambry Genetics
Classification: Uncertain significance. Last evaluated: 2024-07-17. Review status: criteria provided, single submitter. Criteria: Ambry Variant Classification Scheme 2023. Collection method: clinical testing. Allele origin: germline.
Comment: The p.S198A variant (also known as c.592T>G), located in coding exon 7 of the BUB1 gene, results from a T to G substitution at nucleotide position 592. The serine at codon 198 is replaced by alanine, an amino acid with similar properties. This amino acid position is conserved. In addition, this alteration is predicted to be tolerated by in silico analysis. Based on the available evidence, the clinical significance of this variant remains unclear.

NM_004336.5(BUB1):c.592T>G (p.Ser198Ala)

Gene: BUB1 (BUB1 mitotic checkpoint serine/threonine kinase; minus strand). Cytogenetic location: 2q13.
Variant type: single nucleotide variant.
Coding change: c.592T>G on transcript NM_004336.5 (MANE Select); coding-DNA position 592, T replaced by G.
Protein change: p.Ser198Ala; replaces serine 198 with alanine.
Molecular consequence: missense variant.
Genome position (GRCh38, 1-based): chr2:110,667,825, A>C on the plus strand (T>G on the coding strand, the complement: BUB1 is on the minus strand). VCF-style: chr2-110667825-A-C. GRCh37 (hg19) VCF-style: chr2-111425402-A-C.
Other names: c.532T>G, p.Ser178Ala (NM_001278616.2); c.592T>G, p.Ser198Ala (NM_001278617.2); short protein forms S198A, S178A.
Identifiers: ClinVar variation 3483006 (VCV003483006.1).